The following is an entry in ClinVar:

ClinVar aggregate classification (germline): Uncertain significance (1 of 4 stars; one submission).

Submission:

Labcorp Genetics (formerly Invitae), Labcorp
Classification: Uncertain significance. Last evaluated: 2025-02-05. Review status: criteria provided, single submitter. Criteria: Invitae Variant Classification Sherloc (09022015). Collection method: clinical testing. Allele origin: germline.
Comment: This sequence change creates a premature translational stop signal (p.Val700Cysfs*13) in the ARHGEF10 gene. It is expected to result in an absent or disrupted protein product. However, the current clinical and genetic evidence is not sufficient to establish whether loss-of-function variants in ARHGEF10 cause disease. This variant is not present in population databases (gnomAD no frequency). This variant has not been reported in the literature in individuals affected with ARHGEF10-related conditions. In summary, the available evidence is currently insufficient to determine the role of this variant in disease. Therefore, it has been classified as a Variant of Uncertain Significance.

NM_014629.4(ARHGEF10):c.2093_2096dup (p.Val700fs)

Gene: ARHGEF10 (Rho guanine nucleotide exchange factor 10; plus strand). Cytogenetic location: 8p23.3.
Variant type: Duplication.
Coding change: c.2093_2096dup on transcript NM_014629.4 (MANE Select); coding-DNA positions 2093 to 2096, 4 bases duplicated (TTGC; older notation c.2093_2096dupTTGC).
Protein change: p.Val700fs; shifts the reading frame from valine 700.
Molecular consequence: frameshift variant.
Genome position (GRCh38, 1-based): chr8:1,909,420-1,909,423, TTGC duplicated; duplicating any 4 consecutive bases within chr8:1,909,419-1,909,423 gives the same sequence; the c. name uses the placement nearest the transcript's 3' end. VCF-style (leftmost placement, unchanged base first): chr8-1909418-C-CCTTG. GRCh37 (hg19) VCF-style: chr8-1857584-C-CCTTG.
Other names: c.1979_1982dup, p.Val662fs (NM_001308152.2); c.2093_2096dup, p.Val700Cysfs (NM_001308153.3); short protein forms V662fs, V724fs, V700fs.
Identifiers: ClinVar variation 3657743 (VCV003657743.2).